The following is an entry in ClinVar:

ClinVar aggregate classification (germline): Likely benign (1 of 4 stars; one submission).

gnomAD v4.1: 3 of 1,612,584 alleles (0.00019%); highest among the groups gnomAD compares: Non-Finnish European, 0.00025%; no homozygotes.

Submission:

CeGaT Center for Human Genetics Tuebingen
Classification: Likely benign. Last evaluated: 2024-11-01. Review status: criteria provided, single submitter. Criteria: CeGaT Center For Human Genetics Tuebingen Variant Classification Criteria Version 2. Collection method: clinical testing. Allele origin: germline. Affected: yes. Observed: 1 variant allele.
Comment: CIC: BP4, BP7

NM_001386298.1(CIC):c.6753T>C (p.Phe2251=)

Gene: CIC (capicua transcriptional repressor; plus strand). Cytogenetic location: 19q13.2.
Variant type: single nucleotide variant.
Coding change: c.6753T>C on transcript NM_001386298.1 (MANE Select); coding-DNA position 6753, T replaced by C.
Protein change: p.Phe2251=; no amino-acid change (phenylalanine 2251 retained).
Molecular consequence: synonymous variant.
Genome position (GRCh38, 1-based): chr19:42,293,822, T>C. VCF-style: chr19-42293822-T-C. GRCh37 (hg19) VCF-style: chr19-42797974-T-C.
Other names: c.6753T>C, p.Phe2251= (NM_001304815.2, NM_001379482.1); c.6750T>C, p.Phe2250= (NM_001379480.1); c.4026T>C, p.Phe1342= (NM_001379484.1, NM_001379485.1, NM_015125.5).
Identifiers: ClinVar variation 3389474 (VCV003389474.14).